The following is an entry in ClinVar:

NM_002911.4(UPF1):c.1844G>A (p.Cys615Tyr)

Gene: UPF1 (UPF1 RNA helicase and ATPase; plus strand). Cytogenetic location: 19p13.11.
Variant type: single nucleotide variant.
Coding change: c.1844G>A on transcript NM_002911.4 (MANE Select); coding-DNA position 1844, G replaced by A.
Protein change: p.Cys615Tyr; replaces cysteine 615 with tyrosine.
Molecular consequence: missense variant.
Genome position (GRCh38, 1-based): chr19:18,856,896, G>A. VCF-style: chr19-18856896-G-A. GRCh37 (hg19) VCF-style: chr19-18967705-G-A.
Other names: c.1877G>A, p.Cys626Tyr (NM_001297549.2); short protein forms C615Y, C626Y.
Identifiers: ClinVar variation 2581943 (VCV002581943.1), dbSNP rs2512924942, ClinGen allele CA404884895.

ClinVar aggregate classification (germline): Uncertain significance (1 of 4 stars; one submission).

Submission:

GeneDx
Classification: Uncertain significance. Last evaluated: 2023-04-02. Review status: criteria provided, single submitter. Criteria: GeneDx Variant Classification Process June 2021. Collection method: clinical testing. Allele origin: germline. Affected: yes.
Comment: Not observed at significant frequency in large population cohorts (gnomAD); In silico analysis supports that this missense variant has a deleterious effect on protein structure/function; Has not been previously published as pathogenic or benign to our knowledge